The following is an entry in ClinVar:

ClinVar aggregate classification (germline): Uncertain significance (1 of 4 stars; one submission).

Allele frequency attached by ClinVar (database versions not stated): gnomAD exomes below 0.00001 and 0.00002; gnomAD 0.00001; TOPMed 0.00001; ExAC 0.00002.
gnomAD v4.1: 2 of 1,612,748 alleles (0.00012%); highest among the groups gnomAD compares: East Asian, 0.0045%; no homozygotes.

Submission:

Labcorp Genetics (formerly Invitae), Labcorp
Classification: Uncertain significance. Last evaluated: 2022-09-06. Review status: criteria provided, single submitter. Criteria: Invitae Variant Classification Sherloc (09022015). Collection method: clinical testing. Allele origin: germline.
Comment: Advanced modeling of protein sequence and biophysical properties (such as structural, functional, and spatial information, amino acid conservation, physicochemical variation, residue mobility, and thermodynamic stability) performed at Invitae indicates that this missense variant is not expected to disrupt LRP5 protein function. In summary, the available evidence is currently insufficient to determine the role of this variant in disease. Therefore, it has been classified as a Variant of Uncertain Significance. ClinVar contains an entry for this variant (Variation ID: 1437557). This variant has not been reported in the literature in individuals affected with LRP5-related conditions. This variant is present in population databases (rs751796016, gnomAD 0.03%). This sequence change replaces methionine, which is neutral and non-polar, with threonine, which is neutral and polar, at codon 907 of the LRP5 protein (p.Met907Thr).

NM_002335.4(LRP5):c.2720T>C (p.Met907Thr)

Gene: LRP5 (LDL receptor related protein 5; plus strand). Cytogenetic location: 11q13.2.
Variant type: single nucleotide variant.
Coding change: c.2720T>C on transcript NM_002335.4 (MANE Select); coding-DNA position 2720, T replaced by C.
Protein change: p.Met907Thr; replaces methionine 907 with threonine.
Molecular consequence: missense variant.
Genome position (GRCh38, 1-based): chr11:68,413,905, T>C. VCF-style: chr11-68413905-T-C. GRCh37 (hg19) VCF-style: chr11-68181373-T-C.
Other names: c.977T>C, p.Met326Thr (NM_001291902.2); short protein forms M326T, M907T.
Identifiers: ClinVar variation 1437557 (VCV001437557.8), dbSNP rs751796016, ClinGen allele CA6149719.